The following is an entry in ClinVar:

ClinVar aggregate classification (germline): Uncertain significance (1 of 4 stars; one submission).

Conditions:
Propionic acidemia (PROP). Also called: GLYCINEMIA, KETOTIC; HYPERGLYCINEMIA WITH KETOACIDOSIS AND LEUKOPENIA; KETOTIC HYPERGLYCINEMIA. Identifiers: Orphanet 35, MedGen C0268579, MONDO:0011628, OMIM 606054, HP:0003571.

Allele frequency attached by ClinVar (database versions not stated): ExAC 0.00001; gnomAD 0.00001; TOPMed 0.00001.

Submission:

Labcorp Genetics (formerly Invitae), Labcorp
Classification: Uncertain significance for Propionic acidemia. Last evaluated: 2022-07-29. Review status: criteria provided, single submitter. Criteria: Invitae Variant Classification Sherloc (09022015). Collection method: clinical testing. Allele origin: germline.
Comment: This sequence change replaces proline, which is neutral and non-polar, with serine, which is neutral and polar, at codon 307 of the PCCB protein (p.Pro307Ser). This variant is present in population databases (rs759955396, gnomAD 0.003%). This variant has not been reported in the literature in individuals affected with PCCB-related conditions. Advanced modeling of protein sequence and biophysical properties (such as structural, functional, and spatial information, amino acid conservation, physicochemical variation, residue mobility, and thermodynamic stability) performed at Invitae indicates that this missense variant is expected to disrupt PCCB protein function. In summary, the available evidence is currently insufficient to determine the role of this variant in disease. Therefore, it has been classified as a Variant of Uncertain Significance.

NM_000532.5(PCCB):c.919C>T (p.Pro307Ser)

Gene: PCCB (propionyl-CoA carboxylase subunit beta; plus strand). Cytogenetic location: 3q22.3.
Variant type: single nucleotide variant.
Coding change: c.919C>T on transcript NM_000532.5 (MANE Select); coding-DNA position 919, C replaced by T.
Protein change: p.Pro307Ser; replaces proline 307 with serine.
Molecular consequence: missense variant.
Genome position (GRCh38, 1-based): chr3:136,301,064, C>T. VCF-style: chr3-136301064-C-T. GRCh37 (hg19) VCF-style: chr3-136019906-C-T.
Other names: c.979C>T, p.Pro327Ser (NM_001178014.2); short protein forms P307S, P327S.
Identifiers: ClinVar variation 2149874 (VCV002149874.1), dbSNP rs759955396, ClinGen allele CA2631939.